The following is an entry in ClinVar:

NM_001253852.3(AP4B1):c.1284G>A (p.Glu428=)

Genes: AP4B1 (adaptor related protein complex 4 subunit beta 1; minus strand), AP4B1-AS1 (AP4B1 antisense RNA 1; plus strand). Cytogenetic location: 1p13.2.
Variant type: single nucleotide variant.
Coding change: c.1284G>A on transcript NM_001253852.3 (MANE Select); coding-DNA position 1284, G replaced by A.
Protein change: p.Glu428=; no amino-acid change (glutamic acid 428 retained).
Molecular consequence: synonymous variant.
Genome position (GRCh38, 1-based): chr1:113,897,858, C>T on the plus strand (G>A on the coding strand, the complement: AP4B1 is on the minus strand). VCF-style: chr1-113897858-C-T. GRCh37 (hg19) VCF-style: chr1-114440480-C-T.
Other names: p.Glu428=; c.987G>A, p.Glu329= (NM_001253853.3); c.780G>A, p.Glu260= (NM_001308312.2); c.1284G>A, p.Glu428= (NM_006594.5).
Identifiers: ClinVar variation 1336477 (VCV001336477.14), dbSNP rs752215351, ClinGen allele CA28995904.

ClinVar aggregate classification (germline): Likely benign. Review status: criteria provided, multiple submitters, no conflicts (2 of 4 stars). 5 submissions from 5 submitters: Likely benign (5). Last evaluated 2024-11-12.

Conditions:
Hereditary spastic paraplegia 47. Also called: CEREBRAL PALSY, SPASTIC QUADRIPLEGIC, 5; adaptor protein 4 (AP-4) deficiency syndrome; Spastic paraplegia 47, autosomal recessive. Identifiers: Orphanet 280763, MedGen C3279738, MONDO:0013551, OMIM 614066.

Allele frequency attached by ClinVar (database versions not stated): gnomAD 0.00001; TOPMed 0.00002.
gnomAD v4.1: 40 of 1,614,056 alleles (0.0025%); highest among the groups gnomAD compares: Non-Finnish European, 0.0034%; no homozygotes.

Submissions (5):

Mayo Clinic Laboratories, Mayo Clinic
Classification: Likely benign. Last evaluated: 2024-11-12. Review status: criteria provided, single submitter. Criteria: ACMG Guidelines, 2015. Collection method: clinical testing. Allele origin: germline. Observed: 1 variant allele.
Comment: BP4, BP7

Blueprint Genetics
Classification: Likely benign. Last evaluated: 2024-07-16. Review status: criteria provided, single submitter. Criteria: ACMG Guidelines, 2015. Collection method: clinical testing. Allele origin: germline.

Labcorp Genetics (formerly Invitae), Labcorp
Classification: Likely benign for Hereditary spastic paraplegia 47. Last evaluated: 2024-04-25. Review status: criteria provided, single submitter. Criteria: Invitae Variant Classification Sherloc (09022015). Collection method: clinical testing. Allele origin: germline.

Genome-Nilou Lab
Classification: Likely benign for Hereditary spastic paraplegia 47. Last evaluated: 2023-04-11. Review status: criteria provided, single submitter. Criteria: ACMG Guidelines, 2015. Collection method: clinical testing. Allele origin: germline. Affected: no.

Genetic Services Laboratory, University of Chicago
Classification: Likely benign. Last evaluated: 2017-12-29. Review status: criteria provided, single submitter. Criteria: ACMG Guidelines, 2015. Collection method: clinical testing. Allele origin: germline. Affected: no.